The following is an entry in ClinVar:

ClinVar aggregate classification (germline): Uncertain significance (1 of 4 stars; one submission).

Conditions:
Baller-Gerold syndrome (BGS). Also called: CRANIOSYNOSTOSIS WITH RADIAL DEFECTS. Identifiers: Orphanet 1225, MedGen C0265308, MONDO:0009039, OMIM 218600.

Submission:

Labcorp Genetics (formerly Invitae), Labcorp
Classification: Uncertain significance for Baller-Gerold syndrome. Last evaluated: 2021-06-22. Review status: criteria provided, single submitter. Criteria: Invitae Variant Classification Sherloc (09022015). Collection method: clinical testing. Allele origin: germline.
Comment: This sequence change replaces glutamic acid with alanine at codon 630 of the RECQL4 protein (p.Glu630Ala). The glutamic acid residue is highly conserved and there is a moderate physicochemical difference between glutamic acid and alanine. This variant is not present in population databases (ExAC no frequency). This variant has not been reported in the literature in individuals with RECQL4-related conditions. Experimental studies and prediction algorithms are not available or were not evaluated, and the functional significance of this variant is currently unknown. In summary, the available evidence is currently insufficient to determine the role of this variant in disease. Therefore, it has been classified as a Variant of Uncertain Significance.

NM_004260.4(RECQL4):c.1889A>C (p.Glu630Ala)

Gene: RECQL4 (RecQ like helicase 4; minus strand). Cytogenetic location: 8q24.3.
Variant type: single nucleotide variant.
Coding change: c.1889A>C on transcript NM_004260.4 (MANE Select); coding-DNA position 1889, A replaced by C.
Protein change: p.Glu630Ala; replaces glutamic acid 630 with alanine.
Molecular consequence: missense variant.
Genome position (GRCh38, 1-based): chr8:144,514,097, T>G on the plus strand (A>C on the coding strand, the complement: RECQL4 is on the minus strand). VCF-style: chr8-144514097-T-G. GRCh37 (hg19) VCF-style: chr8-145739481-T-G.
Other names: short protein forms E630A.
Identifiers: ClinVar variation 1373011 (VCV001373011.6), dbSNP rs2130692831, ClinGen allele CA372680545.